The following is an entry in ClinVar:

NM_020937.4(FANCM):c.4304_4305insSVAelement

Gene: FANCM (FA complementation group M; plus strand). Cytogenetic location: 14q21.2.
Variant type: Insertion.
Coding change: c.4304_4305insSVAelement on transcript NM_020937.4; coding-DNA positions 4304 to 4305, an insertion.
Other names: NM_020937.2:c.4304_4305insSVA.
Identifiers: ClinVar variation 870248 (VCV000870248.1).

ClinVar aggregate classification (germline): Pathogenic (1 of 4 stars; one submission).

Conditions:
Fanconi anemia (FA). Also called: Fanconi's anemia. Identifiers: Orphanet 84, MedGen C0015625, MeSH D005199, MONDO:0019391.

Submission:

Labcorp Genetics (formerly Invitae), Labcorp
Classification: Pathogenic for Fanconi anemia. Last evaluated: 2019-07-13. Review status: criteria provided, single submitter. Criteria: Invitae Variant Classification Sherloc (09022015). Collection method: clinical testing. Allele origin: germline.
Comment: This sequence change inserts a large fragment of DNA, likely a transposable element, in exon 15 of the FANCM gene (c.4304_4305insSVA), causing a frameshift at codon 1435 (p.Leu1435fs). The exact size and sequence of the insertion cannot be determined by the current assay. However, the insertion is expected to result in an absent or disrupted protein product. This variant has not been reported in the literature in individuals with FANCM-related conditions. Retrotransposon insertions including LINE1 (L1), Alu, and SVA (SINE-VNTR-Alu) have been reported to be disease-causing through disruption of either a coding region or splice site (PMID: 19763152, 20307669, 22406018) and loss-of-function variants in FANCM are known to be pathogenic (PMID: 29895858, 30075111). For these reasons, this variant has been classified as Pathogenic.

Literature cited by the submitters: PubMed 20307669; PubMed 30075111; PubMed 22406018; PubMed 29895858; PubMed 19763152.